The following is an entry in ClinVar:

ClinVar aggregate classification (germline): Uncertain significance (1 of 4 stars; one submission).

Conditions:
Neurodevelopmental disorder with hypotonia, stereotypic hand movements, and impaired language. Also called: Intellectual disability, autosomal dominant 20. Identifiers: Orphanet 228384, Orphanet 664410, MedGen C3150700, MONDO:0013266, OMIM 613443.

Submission:

Labcorp Genetics (formerly Invitae), Labcorp
Classification: Uncertain significance for Neurodevelopmental disorder with hypotonia, stereotypic hand movements, and impaired language. Last evaluated: 2023-08-28. Review status: criteria provided, single submitter. Criteria: Invitae Variant Classification Sherloc (09022015). Collection method: clinical testing. Allele origin: germline.
Comment: An algorithm developed to predict the effect of missense changes on protein structure and function (PolyPhen-2) suggests that this variant is likely to be tolerated. In summary, the available evidence is currently insufficient to determine the role of this variant in disease. Therefore, it has been classified as a Variant of Uncertain Significance. Algorithms developed to predict the effect of sequence changes on RNA splicing suggest that this variant may disrupt the consensus splice site. This variant has not been reported in the literature in individuals affected with MEF2C-related conditions. This variant is not present in population databases (gnomAD no frequency). This sequence change replaces asparagine, which is neutral and polar, with aspartic acid, which is acidic and polar, at codon 195 of the MEF2C protein (p.Asn195Asp).

NM_002397.5(MEF2C):c.583A>G (p.Asn195Asp)

Gene: MEF2C (myocyte enhancer factor 2C; minus strand). Cytogenetic location: 5q14.3.
Variant type: single nucleotide variant.
Coding change: c.583A>G on transcript NM_002397.5 (MANE Select); coding-DNA position 583, A replaced by G.
Protein change: p.Asn195Asp; replaces asparagine 195 with aspartic acid.
Molecular consequence: missense variant.
Genome position (GRCh38, 1-based): chr5:88,751,863, T>C on the plus strand (A>G on the coding strand, the complement: MEF2C is on the minus strand). VCF-style: chr5-88751863-T-C. GRCh37 (hg19) VCF-style: chr5-88047680-T-C.
Other names: c.583A>G, p.Asn195Asp (NM_001308002.3, NM_001363581.2, NM_001364329.2 and 18 more transcripts); c.439A>G, p.Asn147Asp (NM_001364332.2, NM_001364354.2, NM_001364355.2 and 3 more transcripts); c.577A>G, p.Asn193Asp (NM_001364352.2, NM_001131005.2, NM_001364343.2); c.205A>G, p.Asn69Asp (NM_001364353.2, NM_001364356.2); c.637A>G, p.Asn213Asp (NM_001193347.1, NM_001364338.2); c.157A>G, p.Asn53Asp (NM_001364357.2); short protein forms N53D, N213D, N69D, N147D, N193D, N195D.
Identifiers: ClinVar variation 2755884 (VCV002755884.3), dbSNP rs2547864555, ClinGen allele CA360423669.